The following is an entry in ClinVar:

NM_032242.4(PLXNA1):c.2563C>T (p.Arg855Cys)

Gene: PLXNA1 (plexin A1; plus strand). Cytogenetic location: 3q21.3.
Variant type: single nucleotide variant.
Coding change: c.2563C>T on transcript NM_032242.4 (MANE Select); coding-DNA position 2563, C replaced by T.
Protein change: p.Arg855Cys; replaces arginine 855 with cysteine.
Molecular consequence: missense variant.
Genome position (GRCh38, 1-based): chr3:127,014,334, C>T. VCF-style: chr3-127014334-C-T. GRCh37 (hg19) VCF-style: chr3-126733177-C-T.
Other names: short protein forms R855C.
Identifiers: ClinVar variation 2629134 (VCV002629134.1), dbSNP rs371005639, ClinGen allele CA2593664.

ClinVar aggregate classification (germline): Uncertain significance (1 of 4 stars; one submission).

Conditions:
PLXNA1-related disorder. Also called: PLXNA1-related condition.

Allele frequency attached by ClinVar (database versions not stated): TOPMed below 0.00001; ExAC 0.00001; gnomAD 0.00001; gnomAD exomes 0.00001; ESP Exome Variant Server 0.00008.

Submission:

PreventionGenetics, part of Exact Sciences
Classification: Uncertain significance for PLXNA1-related condition. Last evaluated: 2023-04-07. Review status: criteria provided, single submitter. Criteria: ACMG Guidelines, 2015. Collection method: clinical testing. Allele origin: germline.
Comment: The PLXNA1 c.2563C>T variant is predicted to result in the amino acid substitution p.Arg855Cys. To our knowledge, this variant has not been reported in the literature. This variant is reported in 0.0078% of alleles in individuals of African descent in gnomAD. At this time, the clinical significance of this variant is uncertain due to the absence of conclusive functional and genetic evidence.